The following is an entry in ClinVar:

ClinVar aggregate classification (germline): Likely benign (1 of 4 stars; one submission).

Conditions:
CHD7-related CHARGE syndrome. Identifiers: MedGen CN380413, MONDO:1010178, OMIM 214800.

Submission:

Centre for Medical Genetics,  Mumbai
Classification: Likely benign for CHD7-related CHARGE syndrome. Last evaluated: 2026-03-04. Review status: criteria provided, single submitter. Criteria: ACMG Guidelines, 2015. Collection method: provider interpretation. Allele origin: germline. Inheritance: Autosomal dominant inheritance. Affected: no. Observed: 1 variant allele, 1 heterozygote.
Comment: The variant satisfies PM2 criteria; Extremely low frequency in gnomAD population databases. The variant satisfies PP3 criteria; For a missense or a splicing region variant, computational prediction tools unanimously support a deleterious effect on the gene. The variant satisfies PP2 criteria; Missense variant in a gene with low rate of benign missense mutations and for which missense mutation is a common mechanism of a disease. However, the variant satisfies BS2 criteria.

Literature cited by the submitters: PubMed 15300250.

NM_017780.4(CHD7):c.4562C>T (p.Thr1521Ile)

Gene: CHD7 (chromodomain helicase DNA binding protein 7; plus strand). Cytogenetic location: 8q12.2.
Variant type: single nucleotide variant.
Coding change: c.4562C>T on transcript NM_017780.4 (MANE Select); coding-DNA position 4562, C replaced by T.
Protein change: p.Thr1521Ile; replaces threonine 1521 with isoleucine.
Molecular consequence: missense variant. On other transcripts: intron variant (1).
Genome position (GRCh38, 1-based): chr8:60,841,672, C>T. VCF-style: chr8-60841672-C-T. GRCh37 (hg19) VCF-style: chr8-61754231-C-T.
Other names: c.1717-20557C>T (NM_001316690.1); short protein forms T1521I.
Identifiers: ClinVar variation 4814248 (VCV004814248.1).